The following is an entry in ClinVar:

ClinVar aggregate classification (germline): Uncertain significance (1 of 4 stars; one submission).

Conditions:
Progressive familial heart block type IB (PFHB1B). Identifiers: Orphanet 871, MedGen C1970298, MONDO:0011474, OMIM 604559.

Allele frequency attached by ClinVar (database versions not stated): gnomAD exomes below 0.00001; gnomAD 0.00001; ExAC 0.00002; 1000 Genomes Project 0.00020; 1000 Genomes Project 30x 0.00031.
gnomAD v4.1: 1 of 1,601,302 alleles (0.000062%); highest among the groups gnomAD compares: Admixed American, 0.0017%; no homozygotes.

Submission:

Labcorp Genetics (formerly Invitae), Labcorp
Classification: Uncertain significance for Progressive familial heart block type IB. Last evaluated: 2025-01-06. Review status: criteria provided, single submitter. Criteria: Invitae Variant Classification Sherloc (09022015). Collection method: clinical testing. Allele origin: germline.
Comment: This sequence change replaces alanine, which is neutral and non-polar, with valine, which is neutral and non-polar, at codon 1192 of the TRPM4 protein (p.Ala1192Val). The frequency data for this variant in the population databases is considered unreliable, as metrics indicate poor data quality at this position in the gnomAD database. This variant has not been reported in the literature in individuals affected with TRPM4-related conditions. ClinVar contains an entry for this variant (Variation ID: 941509). An algorithm developed to predict the effect of missense changes on protein structure and function (PolyPhen-2) suggests that this variant is likely to be tolerated. In summary, the available evidence is currently insufficient to determine the role of this variant in disease. Therefore, it has been classified as a Variant of Uncertain Significance.

NM_017636.4(TRPM4):c.3575C>T (p.Ala1192Val)

Gene: TRPM4 (transient receptor potential cation channel subfamily M member 4; plus strand). Cytogenetic location: 19q13.33.
Variant type: single nucleotide variant.
Coding change: c.3575C>T on transcript NM_017636.4 (MANE Select); coding-DNA position 3575, C replaced by T.
Protein change: p.Ala1192Val; replaces alanine 1192 with valine.
Molecular consequence: missense variant.
Genome position (GRCh38, 1-based): chr19:49,211,204, C>T. VCF-style: chr19-49211204-C-T. GRCh37 (hg19) VCF-style: chr19-49714461-C-T.
Other names: c.3140C>T, p.Ala1047Val (NM_001195227.2); c.3230C>T, p.Ala1077Val (NM_001321281.2); c.1967C>T, p.Ala656Val (NM_001321282.2); c.3053C>T, p.Ala1018Val (NM_001321283.2); c.2513C>T, p.Ala838Val (NM_001321285.2); short protein forms A656V, A1047V, A1192V, A1018V, A1077V, A838V.
Identifiers: ClinVar variation 941509 (VCV000941509.10), dbSNP rs545449056, ClinGen allele CA9569975.